The following is an entry in ClinVar:

ClinVar aggregate classification (germline): Uncertain significance (1 of 4 stars; one submission).

Submission:

Labcorp Genetics (formerly Invitae), Labcorp
Classification: Uncertain significance. Last evaluated: 2022-03-04. Review status: criteria provided, single submitter. Criteria: Invitae Variant Classification Sherloc (09022015). Collection method: clinical testing. Allele origin: germline.
Comment: This variant has not been reported in the literature in individuals affected with OBSL1-related conditions. This variant is not present in population databases (gnomAD no frequency). This sequence change replaces histidine, which is basic and polar, with tyrosine, which is neutral and polar, at codon 1525 of the OBSL1 protein (p.His1525Tyr). Algorithms developed to predict the effect of missense changes on protein structure and function are either unavailable or do not agree on the potential impact of this missense change (SIFT: "Tolerated"; PolyPhen-2: "Possibly Damaging"; Align-GVGD: "Class C0"). In summary, the available evidence is currently insufficient to determine the role of this variant in disease. Therefore, it has been classified as a Variant of Uncertain Significance.

NM_015311.3(OBSL1):c.4573C>T (p.His1525Tyr)

Gene: OBSL1 (obscurin like cytoskeletal adaptor 1; minus strand). Cytogenetic location: 2q35.
Variant type: single nucleotide variant.
Coding change: c.4573C>T on transcript NM_015311.3 (MANE Select); coding-DNA position 4573, C replaced by T.
Protein change: p.His1525Tyr; replaces histidine 1525 with tyrosine.
Molecular consequence: missense variant.
Genome position (GRCh38, 1-based): chr2:219,556,056, G>A on the plus strand (C>T on the coding strand, the complement: OBSL1 is on the minus strand). VCF-style: chr2-219556056-G-A. GRCh37 (hg19) VCF-style: chr2-220420778-G-A.
Other names: c.4573C>T, p.His1525Tyr (NM_001173431.2); short protein forms H1525Y.
Identifiers: ClinVar variation 2106840 (VCV002106840.4), dbSNP rs2546211042, ClinGen allele CA350726236.